The following is an entry in ClinVar:

ClinVar aggregate classification (germline): Uncertain significance (1 of 4 stars; one submission).

Conditions:
Hyperkalemic periodic paralysis. Also called: Familial hyperkalemic periodic paralysis; Gamstorp disease. Identifiers: Orphanet 682, MedGen C0238357, MONDO:0008224, OMIM 170500, HP:0007215.

Submission:

Labcorp Genetics (formerly Invitae), Labcorp
Classification: Uncertain significance for Hyperkalemic periodic paralysis. Last evaluated: 2023-04-03. Review status: criteria provided, single submitter. Criteria: Invitae Variant Classification Sherloc (09022015). Collection method: clinical testing. Allele origin: germline.
Comment: In summary, the available evidence is currently insufficient to determine the role of this variant in disease. Therefore, it has been classified as a Variant of Uncertain Significance. ClinVar contains an entry for this variant (Variation ID: 849225). Advanced modeling of protein sequence and biophysical properties (such as structural, functional, and spatial information, amino acid conservation, physicochemical variation, residue mobility, and thermodynamic stability) has been performed at Invitae for this missense variant, however the output from this modeling did not meet the statistical confidence thresholds required to predict the impact of this variant on SCN4A protein function. This variant is not present in population databases (gnomAD no frequency). This missense change has been observed in individual(s) with clinical features of myotonia (Invitae). This sequence change replaces threonine, which is neutral and polar, with isoleucine, which is neutral and non-polar, at codon 165 of the SCN4A protein (p.Thr165Ile).

NM_000334.4(SCN4A):c.494C>T (p.Thr165Ile)

Gene: SCN4A (sodium voltage-gated channel alpha subunit 4; minus strand). Cytogenetic location: 17q23.3.
Variant type: single nucleotide variant.
Coding change: c.494C>T on transcript NM_000334.4 (MANE Select); coding-DNA position 494, C replaced by T.
Protein change: p.Thr165Ile; replaces threonine 165 with isoleucine.
Molecular consequence: missense variant.
Genome position (GRCh38, 1-based): chr17:63,971,839, G>A on the plus strand (C>T on the coding strand, the complement: SCN4A is on the minus strand). VCF-style: chr17-63971839-G-A. GRCh37 (hg19) VCF-style: chr17-62049199-G-A.
Other names: short protein forms T165I.
Identifiers: ClinVar variation 849225 (VCV000849225.17), dbSNP rs1322561669, ClinGen allele CA400639306.